The following is an entry in ClinVar:

ClinVar aggregate classification (germline): Pathogenic (1 of 4 stars; one submission).

Submission:

Labcorp Genetics (formerly Invitae), Labcorp
Classification: Pathogenic. Last evaluated: 2025-02-19. Review status: criteria provided, single submitter. Criteria: Invitae Variant Classification Sherloc (09022015). Collection method: clinical testing. Allele origin: germline.
Comment: This sequence change creates a premature translational stop signal (p.Pro113Alafs*113) in the MNX1 gene. It is expected to result in an absent or disrupted protein product. Loss-of-function variants in MNX1 are known to be pathogenic (PMID: 10631160, 10749657, 16254195, 24095820). The frequency data for this variant in the population databases is considered unreliable, as metrics indicate insufficient coverage at this position in the gnomAD database. This premature translational stop signal has been observed in individual(s) with Currarino syndrome (PMID: 11528505). This variant is also known as 413-414 insG. ClinVar contains an entry for this variant (Variation ID: 2136634). For these reasons, this variant has been classified as Pathogenic.

Literature cited by the submitters: PubMed 10631160; PubMed 10749657; PubMed 16254195; PubMed 24095820; PubMed 11528505.

NM_005515.4(MNX1):c.336dup (p.Pro113fs)

Gene: MNX1 (motor neuron and pancreas homeobox 1; minus strand). Cytogenetic location: 7q36.3.
Variant type: Duplication.
Coding change: c.336dup on transcript NM_005515.4 (MANE Select); coding-DNA position 336, one base duplicated (G; older notation c.336dupG).
Protein change: p.Pro113fs; shifts the reading frame from proline 113.
Molecular consequence: frameshift variant.
Genome position (GRCh38, 1-based): chr7:157,010,015, C duplicated on the plus strand (G on the coding strand, the reverse complement: MNX1 is on the minus strand); the first of 6 consecutive C bases (chr7:157,010,015-157,010,020); duplicating any one gives the same sequence. VCF-style (leftmost placement, unchanged base first): chr7-157010014-G-GC. GRCh37 (hg19) VCF-style: chr7-156802708-G-GC.
Other names: short protein forms P113fs.
Identifiers: ClinVar variation 2136634 (VCV002136634.4), dbSNP rs1327737533, ClinGen allele CA2580077768.